The following is an entry in ClinVar:

NM_004655.4(AXIN2):c.68G>A (p.Arg23Gln)

Gene: AXIN2 (axin 2; minus strand). Cytogenetic location: 17q24.1.
Variant type: single nucleotide variant.
Coding change: c.68G>A on transcript NM_004655.4 (MANE Select); coding-DNA position 68, G replaced by A.
Protein change: p.Arg23Gln; replaces arginine 23 with glutamine.
Molecular consequence: missense variant.
Genome position (GRCh38, 1-based): chr17:65,558,553, C>T on the plus strand (G>A on the coding strand, the complement: AXIN2 is on the minus strand). VCF-style: chr17-65558553-C-T. GRCh37 (hg19) VCF-style: chr17-63554671-C-T.
Other names: c.68G>A, p.Arg23Gln (NM_001363813.1); short protein forms R23Q.
Identifiers: ClinVar variation 1024788 (VCV001024788.11), dbSNP rs2044311178, ClinGen allele CA400682298.

ClinVar aggregate classification (germline): Uncertain significance. Review status: criteria provided, multiple submitters, no conflicts (2 of 4 stars). 2 submissions from 2 submitters: Uncertain significance (2). Last evaluated 2025-05-21.

Conditions:
Hereditary cancer-predisposing syndrome. Also called: Hereditary Cancer Syndrome; Neoplastic Syndromes, Hereditary; Tumor predisposition; Hereditary neoplastic syndrome. Identifiers: Orphanet 140162, MedGen C0027672, MeSH D009386, MONDO:0015356.
Oligodontia-cancer predisposition syndrome. Also called: TOOTH AGENESIS-COLORECTAL CANCER SYNDROME. Identifiers: Orphanet 300576, MedGen C1837750, MONDO:0012075, OMIM 608615. Disease mechanism: loss of function.

Submissions (2):

Labcorp Genetics (formerly Invitae), Labcorp
Classification: Uncertain significance for Oligodontia-cancer predisposition syndrome. Last evaluated: 2025-05-21. Review status: criteria provided, single submitter. Criteria: Invitae Variant Classification Sherloc (09022015). Collection method: clinical testing. Allele origin: germline.
Comment: This sequence change replaces arginine, which is basic and polar, with glutamine, which is neutral and polar, at codon 23 of the AXIN2 protein (p.Arg23Gln). This variant is not present in population databases (gnomAD no frequency). This variant has not been reported in the literature in individuals affected with AXIN2-related conditions. ClinVar contains an entry for this variant (Variation ID: 1024788). Invitae Evidence Modeling of protein sequence and biophysical properties (such as structural, functional, and spatial information, amino acid conservation, physicochemical variation, residue mobility, and thermodynamic stability) indicates that this missense variant is expected to disrupt AXIN2 protein function with a positive predictive value of 80%. In summary, the available evidence is currently insufficient to determine the role of this variant in disease. Therefore, it has been classified as a Variant of Uncertain Significance.

Ambry Genetics
Classification: Uncertain significance for Hereditary cancer-predisposing syndrome. Last evaluated: 2021-01-27. Review status: criteria provided, single submitter. Criteria: Ambry Variant Classification Scheme 2023. Collection method: clinical testing. Allele origin: germline.
Comment: The p.R23Q variant (also known as c.68G>A), located in coding exon 1 of the AXIN2 gene, results from a G to A substitution at nucleotide position 68. The arginine at codon 23 is replaced by glutamine, an amino acid with highly similar properties. This amino acid position is highly conserved in available vertebrate species. In addition, this alteration is predicted to be deleterious by in silico analysis. Since supporting evidence is limited at this time, the clinical significance of this alteration remains unclear.